The following is an entry in ClinVar:

NM_012108.4(STAP1):c.481G>A (p.Glu161Lys)

Gene: STAP1 (signal transducing adaptor family member 1; plus strand). Cytogenetic location: 4q13.2.
Variant type: single nucleotide variant.
Coding change: c.481G>A on transcript NM_012108.4 (MANE Select); coding-DNA position 481, G replaced by A.
Protein change: p.Glu161Lys; replaces glutamic acid 161 with lysine.
Molecular consequence: missense variant.
Genome position (GRCh38, 1-based): chr4:67,581,422, G>A. VCF-style: chr4-67581422-G-A. GRCh37 (hg19) VCF-style: chr4-68447140-G-A.
Other names: c.481G>A, p.Glu161Lys (NM_001317769.2); short protein forms E161K.
Identifiers: ClinVar variation 2563494 (VCV002563494.2), dbSNP rs2545899627, ClinGen allele CA357051623.

ClinVar aggregate classification (germline): Uncertain significance (1 of 4 stars; one submission).

Submission:

Ambry Genetics
Classification: Uncertain significance. Last evaluated: 2023-06-05. Review status: criteria provided, single submitter. Criteria: Ambry Variant Classification Scheme 2023. Collection method: clinical testing. Allele origin: germline.
Comment: The p.E161K variant (also known as c.481G>A), located in coding exon 5 of the STAP1 gene, results from a G to A substitution at nucleotide position 481. The glutamic acid at codon 161 is replaced by lysine, an amino acid with similar properties. This amino acid position is conserved. In addition, this alteration is predicted to be tolerated by in silico analysis. Since supporting evidence is limited at this time, the clinical significance of this alteration remains unclear.